The following is an entry in ClinVar:

ClinVar aggregate classification (germline): Pathogenic. Review status: criteria provided, multiple submitters, no conflicts (2 of 4 stars). 2 submissions from 2 submitters: Pathogenic (2). Last evaluated 2024-01-11.

Conditions:
Hereditary cancer-predisposing syndrome. Also called: Hereditary neoplastic syndrome; Tumor predisposition; Hereditary Cancer Syndrome; Neoplastic Syndromes, Hereditary. Identifiers: Orphanet 140162, MedGen C0027672, MeSH D009386, MONDO:0015356.
Familial meningioma. Also called: Meningioma, familial, susceptibility to. Identifiers: Orphanet 263662, MedGen C3551915, MONDO:0011789, OMIM 607174.

Allele frequency attached by ClinVar (database versions not stated): gnomAD exomes below 0.00001.
gnomAD v4.1: 1 of 1,613,328 alleles (0.000062%); highest among the groups gnomAD compares: Non-Finnish European, 0.000085%; no homozygotes.

Submissions (2):

Ambry Genetics
Classification: Pathogenic for Hereditary cancer-predisposing syndrome. Last evaluated: 2024-01-11. Review status: criteria provided, single submitter. Criteria: Ambry Variant Classification Scheme 2023. Collection method: clinical testing. Allele origin: germline.
Comment: The p.R158* pathogenic mutation (also known as c.472C>T), located in coding exon 6 of the SMARCE1 gene, results from a C to T substitution at nucleotide position 472. This changes the amino acid from an arginine to a stop codon within coding exon 6. This variant is considered to be rare based on population cohorts in the Genome Aggregation Database (gnomAD). This alteration is expected to result in loss of function by premature protein truncation or nonsense-mediated mRNA decay. Loss-of-function variants in SMARCE1 are known to cause increased risk of meningiomas; however, such associations with neurodevelopmental disorders are exceedingly rare (Kosho T et al. Am J Med Genet C Semin Med Genet. 2014 Sep;166C(3):262-75; Smith JM et al. Nat Genet. 2013 Mar;45(3):295-8). Based on the supporting evidence, this alteration is pathogenic for an increased risk of meningiomas; however, the association of this alteration with Coffin-Siris syndrome is unlikely.

Labcorp Genetics (formerly Invitae), Labcorp
Classification: Pathogenic for Familial meningioma. Last evaluated: 2020-10-21. Review status: criteria provided, single submitter. Criteria: Invitae Variant Classification Sherloc (09022015). Collection method: clinical testing. Allele origin: germline.
Comment: This sequence change creates a premature translational stop signal (p.Arg158*) in the SMARCE1 gene. It is expected to result in an absent or disrupted protein product. For these reasons, this variant has been classified as Pathogenic. Loss-of-function variants in SMARCE1 are known to be pathogenic (PMID: 23377182). This variant has not been reported in the literature in individuals with SMARCE1-related conditions. This variant is not present in population databases (ExAC no frequency).

Literature cited by the submitters: PubMed 23377182 (cited by Labcorp Genetics (formerly Invitae), Labcorp).

NM_003079.5(SMARCE1):c.472C>T (p.Arg158Ter)

Gene: SMARCE1 (SWI/SNF related BAF chromatin remodeling complex subunit E1; minus strand). Cytogenetic location: 17q21.2.
Variant type: single nucleotide variant.
Coding change: c.472C>T on transcript NM_003079.5 (MANE Select); coding-DNA position 472, C replaced by T.
Protein change: p.Arg158Ter; replaces arginine 158 with a stop codon.
Molecular consequence: nonsense.
Genome position (GRCh38, 1-based): chr17:40,636,000, G>A on the plus strand (C>T on the coding strand, the complement: SMARCE1 is on the minus strand). VCF-style: chr17-40636000-G-A. GRCh37 (hg19) VCF-style: chr17-38792252-G-A.
Other names: c.472C>T (NM_003079.4); short protein forms R158*.
Identifiers: ClinVar variation 1069790 (VCV001069790.8), dbSNP rs1251821702, ClinGen allele CA399366430.
Genomic context (GRCh38, chr17:40,636,000, plus strand): 5'-CTTCAGCAGGCTGAATGCTCATGTACGGTTCTCCTTTCTCCATGCGAGATTGTCTCTGTC[G>A]ACTTTCTTCCTCTAAAGCAGCTTCTGCACGACTTTTTGCATTTATGTAAGCAAGGTACGC-3'